The following is an entry in ClinVar:

NM_004370.6(COL12A1):c.1174C>T (p.Arg392Cys)

Gene: COL12A1 (collagen type XII alpha 1 chain; minus strand). Cytogenetic location: 6q13.
Variant type: single nucleotide variant.
Coding change: c.1174C>T on transcript NM_004370.6 (MANE Select); coding-DNA position 1174, C replaced by T.
Protein change: p.Arg392Cys; replaces arginine 392 with cysteine.
Molecular consequence: missense variant. On other transcripts: intron variant (1).
Genome position (GRCh38, 1-based): chr6:75,183,968, G>A on the plus strand (C>T on the coding strand, the complement: COL12A1 is on the minus strand). VCF-style: chr6-75183968-G-A. GRCh37 (hg19) VCF-style: chr6-75893684-G-A.
Other names: c.73+18752C>T (NM_080645.3); short protein forms R392C.
Identifiers: ClinVar variation 1497423 (VCV001497423.6), dbSNP rs970722197, ClinGen allele CA141030629.

ClinVar aggregate classification (germline): Uncertain significance (1 of 4 stars; one submission).

Conditions:
Ullrich congenital muscular dystrophy 2 (UCMD2). Identifiers: Orphanet 75840, MedGen C4225314, MONDO:0014654, OMIM 616470.
Bethlem myopathy 2 (BTHLM2). Identifiers: Orphanet 536516, Orphanet 610, MedGen C4225313, MONDO:0034022, OMIM 616471.

Allele frequency attached by ClinVar (database versions not stated): gnomAD exomes below 0.00001; gnomAD 0.00001; TOPMed 0.00001.

Submission:

Labcorp Genetics (formerly Invitae), Labcorp
Classification: Uncertain significance for Bethlem myopathy 2; Ullrich congenital muscular dystrophy 2. Last evaluated: 2021-08-10. Review status: criteria provided, single submitter. Criteria: Invitae Variant Classification Sherloc (09022015). Collection method: clinical testing. Allele origin: germline.
Comment: In summary, the available evidence is currently insufficient to determine the role of this variant in disease. Therefore, it has been classified as a Variant of Uncertain Significance. Algorithms developed to predict the effect of missense changes on protein structure and function are either unavailable or do not agree on the potential impact of this missense change (SIFT: "Deleterious"; PolyPhen-2: "Probably Damaging"; Align-GVGD: "Class C0"). This variant has not been reported in the literature in individuals affected with COL12A1-related conditions. This variant is not present in population databases (ExAC no frequency). This sequence change replaces arginine with cysteine at codon 392 of the COL12A1 protein (p.Arg392Cys). The arginine residue is moderately conserved and there is a large physicochemical difference between arginine and cysteine.